The following is an entry in ClinVar:

ClinVar aggregate classification (germline): Pathogenic (1 of 4 stars; one submission).

Conditions:
Peroxisome biogenesis disorder. Identifiers: Orphanet 79189, MedGen C1832200, MONDO:0019234. Disease mechanism: loss of function.

Submission:

Myriad Genetics, Inc.
Classification: Pathogenic for Peroxisome biogenesis disorder. Last evaluated: 2023-09-27. Review status: criteria provided, single submitter. Criteria: Myriad Autosomal Dominant, Autosomal Recessive and X-Linked Classification Criteria (2023). Collection method: clinical testing. Allele origin: unknown.
Comment: NM_000287.3(PEX6):c.1756dupG(A586Gfs*5) is expected to be pathogenic in the context of peroxisome biogenesis disorder type 4. This variant is predicted to lead to an abnormal or absent protein product due to the creation of a premature termination codon in PEX6, a gene where loss-of-function variants are known to be pathogenic. Please note: this variant was assessed in the context of healthy population screening.

NM_000287.4(PEX6):c.1756dup (p.Ala586fs)

Gene: PEX6 (peroxisomal biogenesis factor 6; minus strand). Cytogenetic location: 6p21.1.
Variant type: Duplication.
Coding change: c.1756dup on transcript NM_000287.4 (MANE Select); coding-DNA position 1756, one base duplicated (G; older notation c.1756dupG).
Protein change: p.Ala586fs; shifts the reading frame from alanine 586.
Molecular consequence: frameshift variant. On other transcripts: non-coding transcript variant (1).
Genome position (GRCh38, 1-based): chr6:42,967,496, C duplicated on the plus strand (G on the coding strand, the reverse complement: PEX6 is on the minus strand). VCF-style (leftmost placement, unchanged base first): chr6-42967495-G-GC. GRCh37 (hg19) VCF-style: chr6-42935233-G-GC.
Other names: c.1492dup, p.Ala498fs (NM_001316313.2); short protein forms A498fs, A586fs.
Identifiers: ClinVar variation 5012088 (VCV005012088.1).